The following is an entry in ClinVar:

NM_003102.4(SOD3):c.172G>A (p.Ala58Thr)

Gene: SOD3 (superoxide dismutase 3; plus strand). Cytogenetic location: 4p15.2.
Variant type: single nucleotide variant.
Coding change: c.172G>A on transcript NM_003102.4 (MANE Select); coding-DNA position 172, G replaced by A.
Protein change: p.Ala58Thr; replaces alanine 58 with threonine.
Molecular consequence: missense variant.
Genome position (GRCh38, 1-based): chr4:24,799,693, G>A. VCF-style: chr4-24799693-G-A. GRCh37 (hg19) VCF-style: chr4-24801315-G-A.
Other names: short protein forms A58T.
Identifiers: ClinVar variation 3060834 (VCV003060834.2), dbSNP rs2536512, ClinGen allele CA2876227.

ClinVar aggregate classification (germline): Benign (0 of 4 stars; one submission).

Conditions:
SOD3-related disorder. Also called: SOD3-related condition.

Allele frequency attached by ClinVar (database versions not stated): 1000 Genomes Project 30x 0.39007; 1000 Genomes Project 0.40056; TOPMed 0.46772; gnomAD 0.49987; ESP Exome Variant Server 0.52657; ExAC 0.60324.
gnomAD v4.1: 958,215 of 1,578,062 alleles (61%); highest among the groups gnomAD compares: Non-Finnish European, 66%; 302,909 homozygotes.

Submission:

PreventionGenetics, part of Exact Sciences
Classification: Benign for SOD3-related condition. Last evaluated: 2019-10-17. Review status: no assertion criteria provided. Collection method: clinical testing. Allele origin: germline.
Comment: This variant is classified as benign based on ACMG/AMP sequence variant interpretation guidelines (Richards et al. 2015 PMID: 25741868, with internal and published modifications).